The following is an entry in ClinVar:

ClinVar aggregate classification (germline): Uncertain significance (1 of 4 stars; one submission).

Submission:

Ambry Genetics
Classification: Uncertain significance. Last evaluated: 2025-10-30. Review status: criteria provided, single submitter. Criteria: Ambry Variant Classification Scheme 2023. Collection method: clinical testing. Allele origin: germline.
Comment: The p.P1484R variant (also known as c.4451C>G), located in coding exon 19 of the WNK2 gene, results from a C to G substitution at nucleotide position 4451. The proline at codon 1484 is replaced by arginine, an amino acid with dissimilar properties. This amino acid position is conserved. In addition, this alteration is predicted to be tolerated by in silico analysis. Based on the available evidence, the clinical significance of this variant remains unclear.

NM_006648.4(WNK2):c.4451C>G (p.Pro1484Arg)

Gene: WNK2 (WNK lysine deficient protein kinase 2; plus strand). Cytogenetic location: 9q22.31.
Variant type: single nucleotide variant.
Coding change: c.4451C>G on transcript NM_006648.4 (MANE Select); coding-DNA position 4451, C replaced by G.
Protein change: p.Pro1484Arg; replaces proline 1484 with arginine.
Molecular consequence: missense variant.
Genome position (GRCh38, 1-based): chr9:93,289,205, C>G. VCF-style: chr9-93289205-C-G. GRCh37 (hg19) VCF-style: chr9-96051487-C-G.
Other names: c.4562C>G, p.Pro1521Arg (NM_001282394.3); short protein forms P1484R, P1521R.
Identifiers: ClinVar variation 4605321 (VCV004605321.1).
Genomic context (GRCh38, chr9:93,289,205, plus strand): 5'-CAACCAGGGACGCCAGTGCCCCAAGGGAGCCCCTGCCACCTCCTGCACCTGAGCCCAGCC[C>G]CCACAGCGGGACCCCACAGCCCGCCTTGGGTCAACCTGCTCCCCTGCTTCCTGCCGCAGT-3'
Protein context (NP_006639.3, residues 1474-1494): PLPPPAPEPS[Pro1484Arg]HSGTPQPALG